The following is an entry in ClinVar:

NM_025074.7(FRAS1):c.1886C>G (p.Pro629Arg)

Gene: FRAS1 (Fraser extracellular matrix complex subunit 1; plus strand). Cytogenetic location: 4q21.21.
Variant type: single nucleotide variant.
Coding change: c.1886C>G on transcript NM_025074.7 (MANE Select); coding-DNA position 1886, C replaced by G.
Protein change: p.Pro629Arg; replaces proline 629 with arginine.
Molecular consequence: missense variant.
Genome position (GRCh38, 1-based): chr4:78,317,434, C>G. VCF-style: chr4-78317434-C-G. GRCh37 (hg19) VCF-style: chr4-79238588-C-G.
Other names: c.1886C>G, p.Pro629Arg (NM_001166133.2); c.1886C>G (NM_025074.6); short protein forms P629R.
Identifiers: ClinVar variation 1544569 (VCV001544569.10), dbSNP rs187365033, ClinGen allele CA2976474.

ClinVar aggregate classification (germline): Likely benign. Review status: criteria provided, single submitter (1 of 4 stars). 2 submissions from 2 submitters: Likely benign (1). 1 of the submissions does not count toward it. Last evaluated 2026-01-28.

Conditions:
FRAS1-related disorder. Also called: FRAS1-related condition.

Allele frequency attached by ClinVar (database versions not stated): ESP Exome Variant Server 0.00008; 1000 Genomes Project 30x 0.00078; 1000 Genomes Project 0.00100.
gnomAD v4.1: 312 of 1,613,868 alleles (0.019%); highest among the groups gnomAD compares: East Asian, 0.14%; no homozygotes.

Submissions (2):

Labcorp Genetics (formerly Invitae), Labcorp
Classification: Likely benign. Last evaluated: 2026-01-28. Review status: criteria provided, single submitter. Criteria: Invitae Variant Classification Sherloc (09022015). Collection method: clinical testing. Allele origin: germline.

PreventionGenetics, part of Exact Sciences
Classification: Likely benign for FRAS1-related condition. Last evaluated: 2023-12-27. Review status: no assertion criteria provided. Collection method: clinical testing. Allele origin: germline. Not counted in ClinVar's aggregate classification.
Comment: This variant is classified as likely benign based on ACMG/AMP sequence variant interpretation guidelines (Richards et al. 2015 PMID: 25741868, with internal and published modifications).